The following is an entry in ClinVar:

ClinVar aggregate classification (germline): Uncertain significance. Review status: criteria provided, multiple submitters, no conflicts (2 of 4 stars). 2 submissions from 2 submitters: Uncertain significance (2). Last evaluated 2026-05-14.

Conditions:
Hereditary cancer-predisposing syndrome. Also called: Hereditary neoplastic syndrome; Neoplastic Syndromes, Hereditary; Tumor predisposition; Hereditary Cancer Syndrome. Identifiers: Orphanet 140162, MedGen C0027672, MeSH D009386, MONDO:0015356.

Allele frequency attached by ClinVar (database versions not stated): gnomAD exomes below 0.00001 and 0.00001; ExAC 0.00002.
gnomAD v4.1: 3 of 1,609,810 alleles (0.00019%); highest among the groups gnomAD compares: Admixed American, 0.0033%; no homozygotes.

Submissions (2):

Ambry Genetics
Classification: Uncertain significance for Hereditary cancer-predisposing syndrome. Last evaluated: 2026-05-14. Review status: criteria provided, single submitter. Criteria: Ambry Variant Classification Scheme 2023. Collection method: clinical testing. Allele origin: germline.
Comment: The p.L566P variant (also known as c.1697T>C), located in coding exon 11 of the RAD50 gene, results from a T to C substitution at nucleotide position 1697. The leucine at codon 566 is replaced by proline, an amino acid with similar properties. This amino acid position is conserved. In addition, this alteration is predicted to be deleterious by in silico analysis. Based on the available evidence, the clinical significance of this variant remains unclear.

Labcorp Genetics (formerly Invitae), Labcorp
Classification: Uncertain significance for Hereditary cancer-predisposing syndrome. Last evaluated: 2023-03-26. Review status: criteria provided, single submitter. Criteria: Invitae Variant Classification Sherloc (09022015). Collection method: clinical testing. Allele origin: germline.
Comment: In summary, the available evidence is currently insufficient to determine the role of this variant in disease. Therefore, it has been classified as a Variant of Uncertain Significance. Advanced modeling of protein sequence and biophysical properties (such as structural, functional, and spatial information, amino acid conservation, physicochemical variation, residue mobility, and thermodynamic stability) performed at Invitae indicates that this missense variant is expected to disrupt RAD50 protein function. ClinVar contains an entry for this variant (Variation ID: 1057758). This variant has not been reported in the literature in individuals affected with RAD50-related conditions. This variant is present in population databases (rs780521569, gnomAD 0.006%). This sequence change replaces leucine, which is neutral and non-polar, with proline, which is neutral and non-polar, at codon 566 of the RAD50 protein (p.Leu566Pro).

NM_005732.4(RAD50):c.1697T>C (p.Leu566Pro)

Gene: RAD50 (RAD50 double strand break repair protein; plus strand). Cytogenetic location: 5q31.1.
Variant type: single nucleotide variant.
Coding change: c.1697T>C on transcript NM_005732.4 (MANE Select); coding-DNA position 1697, T replaced by C.
Protein change: p.Leu566Pro; replaces leucine 566 with proline.
Molecular consequence: missense variant.
Genome position (GRCh38, 1-based): chr5:132,591,938, T>C. VCF-style: chr5-132591938-T-C. GRCh37 (hg19) VCF-style: chr5-131927630-T-C.
Other names: c.1697T>C (NM_005732.3); short protein forms L566P.
Identifiers: ClinVar variation 1057758 (VCV001057758.10), dbSNP rs780521569, ClinGen allele CA3405231.
Genomic context (GRCh38, chr5:132,591,938, plus strand): 5'-CTGACAAAGATGAACAAATCAGAAAAATAAAATCTAGGCACAGTGATGAATTAACCTCAC[T>C]GTTGGGATATTTTCCCAACAAAAAACAGCTTGAAGACTGGCTACATAGTAAATCAAAAGA-3'
Protein context (NP_005723.2, residues 556-576): KSRHSDELTS[Leu566Pro]LGYFPNKKQL